The following is an entry in ClinVar:

ClinVar aggregate classification (germline): Benign (0 of 4 stars; one submission).

Conditions:
NECTIN3-related disorder. Also called: NECTIN3-related condition.

Allele frequency attached by ClinVar (database versions not stated): ExAC 0.00024; 1000 Genomes Project 30x 0.00250; gnomAD 0.00313; TOPMed 0.00345; 1000 Genomes Project 0.00260.
gnomAD v4.1: 1,037 of 1,535,546 alleles (0.068%); highest among the groups gnomAD compares: African/African-American, 1.1%; 5 homozygotes.

Submission:

PreventionGenetics, part of Exact Sciences
Classification: Benign for NECTIN3-related condition. Last evaluated: 2024-07-10. Review status: no assertion criteria provided. Collection method: clinical testing. Allele origin: germline.
Comment: This variant is classified as benign based on ACMG/AMP sequence variant interpretation guidelines (Richards et al. 2015 PMID: 25741868, with internal and published modifications).

NM_001243288.2(NECTIN3):c.1273C>A (p.Leu425Ile)

Gene: NECTIN3 (nectin cell adhesion molecule 3; plus strand). Cytogenetic location: 3q13.13.
Variant type: single nucleotide variant.
Coding change: c.1273C>A on transcript NM_001243288.2; coding-DNA position 1273, C replaced by A.
Protein change: p.Leu425Ile; replaces leucine 425 with isoleucine.
Molecular consequence: missense variant.
Genome position (GRCh38, 1-based): chr3:111,192,402, C>A. VCF-style: chr3-111192402-C-A. GRCh37 (hg19) VCF-style: chr3-110911249-C-A.
Other names: short protein forms L425I.
Identifiers: ClinVar variation 3038574 (VCV003038574.2), dbSNP rs146210788, ClinGen allele CA2534016.